The following is an entry in ClinVar:

NM_005922.4(MAP3K4):c.4781A>C (p.Gln1594Pro)

Gene: MAP3K4 (mitogen-activated protein kinase kinase kinase 4; plus strand). Cytogenetic location: 6q26.
Variant type: single nucleotide variant.
Coding change: c.4781A>C on transcript NM_005922.4 (MANE Select); coding-DNA position 4781, A replaced by C.
Protein change: p.Gln1594Pro; replaces glutamine 1594 with proline.
Molecular consequence: missense variant. On other transcripts: non-coding transcript variant (1).
Genome position (GRCh38, 1-based): chr6:161,115,277, A>C. VCF-style: chr6-161115277-A-C. GRCh37 (hg19) VCF-style: chr6-161536309-A-C.
Other names: c.3140A>C, p.Gln1047Pro (NM_001291958.2); c.4769A>C, p.Gln1590Pro (NM_001301072.2); c.4619A>C, p.Gln1540Pro (NM_001363582.2); c.4631A>C, p.Gln1544Pro (NM_006724.4); short protein forms Q1047P, Q1540P, Q1544P, Q1590P, Q1594P.
Identifiers: ClinVar variation 1710371 (VCV001710371.3), dbSNP rs2534838523, ClinGen allele CA366372118.

ClinVar aggregate classification (germline): Uncertain significance (1 of 4 stars; one submission).

Submission:

Greenwood Genetic Center Diagnostic Laboratories, Greenwood Genetic Center
Classification: Uncertain significance. Last evaluated: 2022-08-24. Review status: criteria provided, single submitter. Criteria: ACMG Guidelines, 2015. Collection method: clinical testing. Allele origin: germline. Affected: yes.
Comment: Gene of Uncertain Significance